The following is an entry in ClinVar:

NM_004813.4(PEX16):c.371G>A (p.Arg124Gln)

Gene: PEX16 (peroxisomal biogenesis factor 16; minus strand). Cytogenetic location: 11p11.2.
Variant type: single nucleotide variant.
Coding change: c.371G>A on transcript NM_004813.4 (MANE Select); coding-DNA position 371, G replaced by A.
Protein change: p.Arg124Gln; replaces arginine 124 with glutamine.
Molecular consequence: missense variant.
Genome position (GRCh38, 1-based): chr11:45,915,557, C>T on the plus strand (G>A on the coding strand, the complement: PEX16 is on the minus strand). VCF-style: chr11-45915557-C-T. GRCh37 (hg19) VCF-style: chr11-45937108-C-T.
Other names: c.371G>A, p.Arg124Gln (NM_057174.3); short protein forms R124Q.
Identifiers: ClinVar variation 1052457 (VCV001052457.6), dbSNP rs751381531, ClinGen allele CA5959985.

ClinVar aggregate classification (germline): Uncertain significance (1 of 4 stars; one submission).

Conditions:
Peroxisome biogenesis disorder. Identifiers: Orphanet 79189, MedGen C1832200, MONDO:0019234. Disease mechanism: loss of function.

Allele frequency attached by ClinVar (database versions not stated): ExAC 0.00001; gnomAD 0.00001; gnomAD exomes 0.00001; TOPMed 0.00001.
gnomAD v4.1: 16 of 1,613,990 alleles (0.00099%); highest among the groups gnomAD compares: South Asian, 0.0044%; no homozygotes.

Submission:

Labcorp Genetics (formerly Invitae), Labcorp
Classification: Uncertain significance for Peroxisome biogenesis disorder. Last evaluated: 2022-06-24. Review status: criteria provided, single submitter. Criteria: Invitae Variant Classification Sherloc (09022015). Collection method: clinical testing. Allele origin: germline.
Comment: This sequence change replaces arginine, which is basic and polar, with glutamine, which is neutral and polar, at codon 124 of the PEX16 protein (p.Arg124Gln). This variant is present in population databases (rs751381531, gnomAD 0.006%). This variant has not been reported in the literature in individuals affected with PEX16-related conditions. ClinVar contains an entry for this variant (Variation ID: 1052457). Algorithms developed to predict the effect of missense changes on protein structure and function are either unavailable or do not agree on the potential impact of this missense change (SIFT: "Tolerated"; PolyPhen-2: "Probably Damaging"; Align-GVGD: "Class C0"). Algorithms developed to predict the effect of sequence changes on RNA splicing suggest that this variant may create or strengthen a splice site. In summary, the available evidence is currently insufficient to determine the role of this variant in disease. Therefore, it has been classified as a Variant of Uncertain Significance.